The following is an entry in ClinVar:

ClinVar aggregate classification (germline): Uncertain significance (1 of 4 stars; one submission).

Conditions:
Hereditary cancer-predisposing syndrome. Also called: Tumor predisposition; Hereditary Cancer Syndrome; Hereditary neoplastic syndrome; Neoplastic Syndromes, Hereditary. Identifiers: Orphanet 140162, MedGen C0027672, MeSH D009386, MONDO:0015356.

Submission:

Ambry Genetics
Classification: Uncertain significance for Hereditary cancer-predisposing syndrome. Last evaluated: 2017-09-07. Review status: criteria provided, single submitter. Criteria: Ambry Variant Classification Scheme 2023. Collection method: clinical testing. Allele origin: germline.
Comment: The p.S389C variant (also known as c.1165A>T), located in coding exon 8 of the RAD50 gene, results from an A to T substitution at nucleotide position 1165. The serine at codon 389 is replaced by cysteine, an amino acid with dissimilar properties. This amino acid position is poorly conserved in available vertebrate species. In addition, this alteration is predicted to be tolerated by in silico analysis. Since supporting evidence is limited at this time, the clinical significance of this alteration remains unclear.

NM_005732.4(RAD50):c.1165A>T (p.Ser389Cys)

Gene: RAD50 (RAD50 double strand break repair protein; plus strand). Cytogenetic location: 5q31.1.
Variant type: single nucleotide variant.
Coding change: c.1165A>T on transcript NM_005732.4 (MANE Select); coding-DNA position 1165, A replaced by T.
Protein change: p.Ser389Cys; replaces serine 389 with cysteine.
Molecular consequence: missense variant.
Genome position (GRCh38, 1-based): chr5:132,588,800, A>T. VCF-style: chr5-132588800-A-T. GRCh37 (hg19) VCF-style: chr5-131924492-A-T.
Other names: short protein forms S389C.
Identifiers: ClinVar variation 486266 (VCV000486266.5), dbSNP rs1060501935, ClinGen allele CA360942734.